The following is an entry in ClinVar:

NM_001008537.3(NEXMIF):c.419T>C (p.Met140Thr)

Gene: NEXMIF (neurite extension and migration factor; minus strand). Cytogenetic location: Xq13.3.
Variant type: single nucleotide variant.
Coding change: c.419T>C on transcript NM_001008537.3 (MANE Select); coding-DNA position 419, T replaced by C.
Protein change: p.Met140Thr; replaces methionine 140 with threonine.
Molecular consequence: missense variant.
Genome position (GRCh38, 1-based): chrX:74,744,138, A>G on the plus strand (T>C on the coding strand, the complement: NEXMIF is on the minus strand). VCF-style: chrX-74744138-A-G. GRCh37 (hg19) VCF-style: chrX-73963973-A-G.
Other names: short protein forms M140T.
Identifiers: ClinVar variation 936249 (VCV000936249.14), dbSNP rs766172626, ClinGen allele CA10455213.

ClinVar aggregate classification (germline): Conflicting classifications of pathogenicity. Review status: criteria provided, conflicting classifications (1 of 4 stars). 2 submissions from 2 submitters: Uncertain significance (1); Likely benign (1). Last evaluated 2025-03-01.

Allele frequency attached by ClinVar (database versions not stated): ExAC 0.00001; gnomAD exomes 0.00001 and 0.00002; TOPMed 0.00001.

Submissions (2):

Labcorp Genetics (formerly Invitae), Labcorp
Classification: Uncertain significance. Last evaluated: 2025-03-01. Review status: criteria provided, single submitter. Criteria: Invitae Variant Classification Sherloc (09022015). Collection method: clinical testing. Allele origin: germline.
Comment: This sequence change replaces methionine, which is neutral and non-polar, with threonine, which is neutral and polar, at codon 140 of the NEXMIF protein (p.Met140Thr). This variant is present in population databases (rs766172626, gnomAD 0.008%), including at least one homozygous and/or hemizygous individual. This variant has not been reported in the literature in individuals affected with NEXMIF-related conditions. ClinVar contains an entry for this variant (Variation ID: 936249). An algorithm developed to predict the effect of missense changes on protein structure and function (PolyPhen-2) suggests that this variant is likely to be disruptive. In summary, the available evidence is currently insufficient to determine the role of this variant in disease. Therefore, it has been classified as a Variant of Uncertain Significance.

GeneDx
Classification: Likely benign. Last evaluated: 2019-04-02. Review status: criteria provided, single submitter. Criteria: GeneDx Variant Classification Process June 2021. Collection method: clinical testing. Allele origin: germline. Affected: yes.